The following is an entry in ClinVar:

ClinVar aggregate classification (germline): Conflicting classifications of pathogenicity. Review status: criteria provided, conflicting classifications (1 of 4 stars). 4 submissions from 4 submitters: Uncertain significance (1); Likely benign (2). 1 of the submissions does not count toward it. Last evaluated 2025-11-27.

Conditions:
Obesity due to prohormone convertase I deficiency. Also called: OBESITY AND ENDOCRINOPATHY DUE TO IMPAIRED PROCESSING OF PROHORMONES. Identifiers: Orphanet 71528, MedGen C1833053, MONDO:0010961, OMIM 600955.
PCSK1-related disorder. Also called: PCSK1-related condition.

Allele frequency attached by ClinVar (database versions not stated): gnomAD exomes 0.00014 and 0.00028; ExAC 0.00016; ESP Exome Variant Server 0.00023; gnomAD 0.00026 and 0.00027; 1000 Genomes Project 30x 0.00031; TOPMed 0.00032; 1000 Genomes Project 0.00040.
gnomAD v4.1: 437 of 1,613,920 alleles (0.027%); highest among the groups gnomAD compares: African/African-American, 0.044%; no homozygotes.

Submissions (4):

Labcorp Genetics (formerly Invitae), Labcorp
Classification: Likely benign. Last evaluated: 2025-11-27. Review status: criteria provided, single submitter. Criteria: Invitae Variant Classification Sherloc (09022015). Collection method: clinical testing. Allele origin: germline.

Illumina Laboratory Services, Illumina
Classification: Uncertain significance for Obesity due to prohormone convertase I deficiency. Last evaluated: 2018-01-13. Review status: criteria provided, single submitter. Criteria: ICSL Variant Classification Criteria 13 December 2019. Collection method: clinical testing. Allele origin: germline.

Genetic Services Laboratory, University of Chicago
Classification: Likely benign. Last evaluated: 2017-12-21. Review status: criteria provided, single submitter. Criteria: ACMG Guidelines, 2015. Collection method: clinical testing. Allele origin: germline. Affected: no.

PreventionGenetics, part of Exact Sciences
Classification: Likely benign for PCSK1-related condition. Last evaluated: 2020-07-15. Review status: no assertion criteria provided. Collection method: clinical testing. Allele origin: germline. Not counted in ClinVar's aggregate classification.
Comment: This variant is classified as likely benign based on ACMG/AMP sequence variant interpretation guidelines (Richards et al. 2015 PMID: 25741868, with internal and published modifications).

NM_000439.5(PCSK1):c.927C>T (p.Asn309=)

Genes: CAST (calpastatin; plus strand), PCSK1 (proprotein convertase subtilisin/kexin type 1; minus strand), LOC101929710 (uncharacterized LOC101929710; plus strand). Cytogenetic location: 5q15.
Variant type: single nucleotide variant.
Coding change: c.927C>T on transcript NM_000439.5 (MANE Select); coding-DNA position 927, C replaced by T.
Protein change: p.Asn309=; no amino-acid change (asparagine 309 retained).
Molecular consequence: synonymous variant.
Genome position (GRCh38, 1-based): chr5:96,410,942, G>A on the plus strand (C>T on the coding strand, the complement: PCSK1 is on the minus strand). VCF-style: chr5-96410942-G-A. GRCh37 (hg19) VCF-style: chr5-95746646-G-A.
Other names: c.786C>T, p.Asn262= (NM_001177875.2).
Identifiers: ClinVar variation 905360 (VCV000905360.13), dbSNP rs145558922, ClinGen allele CA3350341.